The following is an entry in ClinVar:

NM_001257096.2(PAX1):c.926C>G (p.Ala309Gly)

Gene: PAX1 (paired box 1; plus strand). Cytogenetic location: 20p11.22.
Variant type: single nucleotide variant.
Coding change: c.926C>G on transcript NM_001257096.2 (MANE Select); coding-DNA position 926, C replaced by G.
Protein change: p.Ala309Gly; replaces alanine 309 with glycine.
Molecular consequence: missense variant.
Genome position (GRCh38, 1-based): chr20:21,708,567, C>G. VCF-style: chr20-21708567-C-G. GRCh37 (hg19) VCF-style: chr20-21689205-C-G.
Other names: c.926C>G, p.Ala309Gly (NM_006192.5); short protein forms A309G.
Identifiers: ClinVar variation 1419367 (VCV001419367.9), dbSNP rs142655845, ClinGen allele CA9786625.

ClinVar aggregate classification (germline): Uncertain significance (1 of 4 stars; one submission).

Allele frequency attached by ClinVar (database versions not stated): gnomAD exomes 0.00006; ExAC 0.00007; gnomAD 0.00020 and 0.00023; ESP Exome Variant Server 0.00031.

Submission:

Labcorp Genetics (formerly Invitae), Labcorp
Classification: Uncertain significance. Last evaluated: 2023-11-03. Review status: criteria provided, single submitter. Criteria: Invitae Variant Classification Sherloc (09022015). Collection method: clinical testing. Allele origin: germline.
Comment: This sequence change replaces alanine, which is neutral and non-polar, with glycine, which is neutral and non-polar, at codon 309 of the PAX1 protein (p.Ala309Gly). This variant is present in population databases (rs142655845, gnomAD 0.07%). This variant has not been reported in the literature in individuals affected with PAX1-related conditions. ClinVar contains an entry for this variant (Variation ID: 1419367). Advanced modeling of protein sequence and biophysical properties (such as structural, functional, and spatial information, amino acid conservation, physicochemical variation, residue mobility, and thermodynamic stability) performed at Invitae indicates that this missense variant is not expected to disrupt PAX1 protein function with a negative predictive value of 80%. In summary, the available evidence is currently insufficient to determine the role of this variant in disease. Therefore, it has been classified as a Variant of Uncertain Significance.